The following is an entry in ClinVar:

NM_012186.3(FOXE3):c.139G>C (p.Gly47Arg)

Genes: FOXE3 (forkhead box E3; plus strand), LINC01389 (long intergenic non-protein coding RNA 1389; minus strand). Cytogenetic location: 1p33.
Variant type: single nucleotide variant.
Coding change: c.139G>C on transcript NM_012186.3 (MANE Select); coding-DNA position 139, G replaced by C.
Protein change: p.Gly47Arg; replaces glycine 47 with arginine.
Molecular consequence: missense variant.
Genome position (GRCh38, 1-based): chr1:47,416,454, G>C. VCF-style: chr1-47416454-G-C. GRCh37 (hg19) VCF-style: chr1-47882126-G-C.
Other names: short protein forms G47R.
Identifiers: ClinVar variation 1771738 (VCV001771738.2), dbSNP rs1553123578, ClinGen allele CA340249112.

ClinVar aggregate classification (germline): Uncertain significance (1 of 4 stars; one submission).

Conditions:
Cardiovascular phenotype. Identifiers: MedGen CN230736.

Submission:

Ambry Genetics
Classification: Uncertain significance for Cardiovascular phenotype. Last evaluated: 2021-06-23. Review status: criteria provided, single submitter. Criteria: Ambry Variant Classification Scheme 2023. Collection method: clinical testing. Allele origin: germline.
Comment: The p.G47R variant (also known as c.139G>C), located in coding exon 1 of the FOXE3 gene, results from a G to C substitution at nucleotide position 139. The glycine at codon 47 is replaced by arginine, an amino acid with dissimilar properties. This amino acid position is conserved. In addition, this alteration is predicted to be tolerated by in silico analysis. Since supporting evidence is limited at this time, the clinical significance of this alteration remains unclear.